The following is an entry in ClinVar:

NM_032043.3(BRIP1):c.1339A>C (p.Asn447His)

Gene: BRIP1 (BRCA1 interacting DNA helicase 1; minus strand). Cytogenetic location: 17q23.2.
Variant type: single nucleotide variant.
Coding change: c.1339A>C on transcript NM_032043.3 (MANE Select); coding-DNA position 1339, A replaced by C.
Protein change: p.Asn447His; replaces asparagine 447 with histidine.
Molecular consequence: missense variant.
Genome position (GRCh38, 1-based): chr17:61,799,101, T>G on the plus strand (A>C on the coding strand, the complement: BRIP1 is on the minus strand). VCF-style: chr17-61799101-T-G. GRCh37 (hg19) VCF-style: chr17-59876462-T-G.
Other names: short protein forms N447H.
Identifiers: ClinVar variation 965860 (VCV000965860.13), dbSNP rs2077945752, ClinGen allele CA400483282.

ClinVar aggregate classification (germline): Uncertain significance. Review status: criteria provided, multiple submitters, no conflicts (2 of 4 stars). 2 submissions from 2 submitters: Uncertain significance (2). Last evaluated 2019-12-28.

Conditions:
Hereditary cancer-predisposing syndrome. Also called: Hereditary neoplastic syndrome; Hereditary Cancer Syndrome; Tumor predisposition; Neoplastic Syndromes, Hereditary. Identifiers: Orphanet 140162, MedGen C0027672, MeSH D009386, MONDO:0015356.
Fanconi anemia complementation group J. Also called: BRIP1-Related Fanconi Anemia. Identifiers: Orphanet 84, MedGen C1836860, MONDO:0012187, OMIM 609054.
Familial cancer of breast. Also called: BREAST CANCER, FAMILIAL; Hereditary breast cancer; hereditary breast carcinoma. Identifiers: Orphanet 227535, MedGen C0346153, MONDO:0016419, OMIM 114480. Disease mechanism: loss of function.

Submissions (2):

Ambry Genetics
Classification: Uncertain significance for Hereditary cancer-predisposing syndrome. Last evaluated: 2019-12-28. Review status: criteria provided, single submitter. Criteria: Ambry Variant Classification Scheme 2023. Collection method: clinical testing. Allele origin: germline.
Comment: The p.N447H variant (also known as c.1339A>C), located in coding exon 8 of the BRIP1 gene, results from an A to C substitution at nucleotide position 1339. The asparagine at codon 447 is replaced by histidine, an amino acid with similar properties. This amino acid position is highly conserved in available vertebrate species. In addition, this alteration is predicted to be tolerated by in silico analysis. Since supporting evidence is limited at this time, the clinical significance of this alteration remains unclear.

Labcorp Genetics (formerly Invitae), Labcorp
Classification: Uncertain significance for Familial cancer of breast; Fanconi anemia complementation group J. Last evaluated: 2019-11-14. Review status: criteria provided, single submitter. Criteria: Invitae Variant Classification Sherloc (09022015). Collection method: clinical testing. Allele origin: germline.
Comment: In summary, the available evidence is currently insufficient to determine the role of this variant in disease. Therefore, it has been classified as a Variant of Uncertain Significance. This sequence change replaces asparagine with histidine at codon 447 of the BRIP1 protein (p.Asn447His). The asparagine residue is moderately conserved and there is a small physicochemical difference between asparagine and histidine. This variant is not present in population databases (ExAC no frequency). This variant has not been reported in the literature in individuals with BRIP1-related conditions. Algorithms developed to predict the effect of missense changes on protein structure and function (SIFT, PolyPhen-2, Align-GVGD) all suggest that this variant is likely to be tolerated, but these predictions have not been confirmed by published functional studies and their clinical significance is uncertain.